The following is an entry in ClinVar:

NM_015650.4(TRAF3IP1):c.485A>C (p.His162Pro)

Gene: TRAF3IP1 (TRAF3 interacting protein 1; plus strand). Cytogenetic location: 2q37.3.
Variant type: single nucleotide variant.
Coding change: c.485A>C on transcript NM_015650.4 (MANE Select); coding-DNA position 485, A replaced by C.
Protein change: p.His162Pro; replaces histidine 162 with proline.
Molecular consequence: missense variant.
Genome position (GRCh38, 1-based): chr2:238,328,816, A>C. VCF-style: chr2-238328816-A-C. GRCh37 (hg19) VCF-style: chr2-239237457-A-C.
Other names: c.485A>C, p.His162Pro (NM_001139490.1); short protein forms H162P.
Identifiers: ClinVar variation 1437014 (VCV001437014.8), dbSNP rs1157441339, ClinGen allele CA351244045.

ClinVar aggregate classification (germline): Uncertain significance (1 of 4 stars; one submission).

Submission:

Labcorp Genetics (formerly Invitae), Labcorp
Classification: Uncertain significance. Last evaluated: 2021-07-14. Review status: criteria provided, single submitter. Criteria: Invitae Variant Classification Sherloc (09022015). Collection method: clinical testing. Allele origin: germline.
Comment: This sequence change replaces histidine with proline at codon 162 of the TRAF3IP1 protein (p.His162Pro). The histidine residue is weakly conserved and there is a moderate physicochemical difference between histidine and proline. This variant is not present in population databases (ExAC no frequency). This variant has not been reported in the literature in individuals affected with TRAF3IP1-related conditions. Algorithms developed to predict the effect of missense changes on protein structure and function output the following: SIFT: "Tolerated"; PolyPhen-2: "Possibly Damaging"; Align-GVGD: "Class C0". The proline amino acid residue is found in multiple mammalian species, which suggests that this missense change does not adversely affect protein function. In summary, the available evidence is currently insufficient to determine the role of this variant in disease. Therefore, it has been classified as a Variant of Uncertain Significance.